The following is an entry in ClinVar:

ClinVar aggregate classification (germline): Uncertain significance. Review status: criteria provided, multiple submitters, no conflicts (2 of 4 stars). 2 submissions from 2 submitters: Uncertain significance (2). Last evaluated 2024-03-04.

Conditions:
Hereditary cancer-predisposing syndrome. Also called: Tumor predisposition; Hereditary Cancer Syndrome; Hereditary neoplastic syndrome; Neoplastic Syndromes, Hereditary. Identifiers: Orphanet 140162, MedGen C0027672, MeSH D009386, MONDO:0015356.
Ataxia-telangiectasia syndrome (AT). Also called: Ataxia-telangiectasia, complementation group D; AT, COMPLEMENTATION GROUP C; ATAXIA-TELANGIECTASIA, COMPLEMENTATION GROUP A; ATAXIA-TELANGIECTASIA, FRESNO VARIANT; Ataxia-telangiectasia, complementation group E; LOUIS-BAR SYNDROME. Identifiers: Orphanet 100, MedGen C0004135, MONDO:0008840, OMIM 208900.

gnomAD v4.1: 1 of 1,590,942 alleles (0.000063%); highest among the groups gnomAD compares: Non-Finnish European, 0.000086%; no homozygotes.

Submissions (2):

Ambry Genetics
Classification: Uncertain significance for Hereditary cancer-predisposing syndrome. Last evaluated: 2024-03-04. Review status: criteria provided, single submitter. Criteria: Ambry Variant Classification Scheme 2023. Collection method: clinical testing. Allele origin: germline.
Comment: The p.A1976G variant (also known as c.5927C>G), located in coding exon 39 of the ATM gene, results from a C to G substitution at nucleotide position 5927. The alanine at codon 1976 is replaced by glycine, an amino acid with similar properties. This amino acid position is conserved. In addition, this alteration is predicted to be tolerated by in silico analysis. Based on the available evidence, the clinical significance of this alteration remains unclear.

Labcorp Genetics (formerly Invitae), Labcorp
Classification: Uncertain significance for Ataxia-telangiectasia syndrome. Last evaluated: 2024-02-04. Review status: criteria provided, single submitter. Criteria: Invitae Variant Classification Sherloc (09022015). Collection method: clinical testing. Allele origin: germline.
Comment: This sequence change replaces alanine, which is neutral and non-polar, with glycine, which is neutral and non-polar, at codon 1976 of the ATM protein (p.Ala1976Gly). This variant is not present in population databases (gnomAD no frequency). This variant has not been reported in the literature in individuals affected with ATM-related conditions. ClinVar contains an entry for this variant (Variation ID: 1985217). An algorithm developed to predict the effect of missense changes on protein structure and function (PolyPhen-2) suggests that this variant is likely to be tolerated. In summary, the available evidence is currently insufficient to determine the role of this variant in disease. Therefore, it has been classified as a Variant of Uncertain Significance.

NM_000051.4(ATM):c.5927C>G (p.Ala1976Gly)

Genes: ATM (ATM serine/threonine kinase; plus strand), C11orf65 (chromosome 11 open reading frame 65; minus strand). Cytogenetic location: 11q22.3.
Variant type: single nucleotide variant.
Coding change: c.5927C>G on transcript NM_000051.4 (MANE Select); coding-DNA position 5927, C replaced by G.
Protein change: p.Ala1976Gly; replaces alanine 1976 with glycine.
Molecular consequence: missense variant. On other transcripts: intron variant (2).
Genome position (GRCh38, 1-based): chr11:108,312,419, C>G. VCF-style: chr11-108312419-C-G. GRCh37 (hg19) VCF-style: chr11-108183146-C-G.
Other names: c.5927C>G, p.Ala1976Gly (NM_001351834.2); c.641-3348G>C (NM_001330368.2); c.*39-3348G>C (NM_001351110.2); short protein forms A1976G.
Identifiers: ClinVar variation 1985217 (VCV001985217.3), dbSNP rs1197973623, ClinGen allele CA382548646.